The following is an entry in ClinVar:

ClinVar aggregate classification (germline): Uncertain significance (1 of 4 stars; one submission).

Submission:

Dasa
Classification: Uncertain significance. Last evaluated: 2025-07-04. Review status: criteria provided, single submitter. Criteria: DASA Assertion Criteria. Collection method: clinical testing. Allele origin: germline.
Comment: NM_001257293.2(HNRNPH1):c.806C>T (p.Ser269Leu) is a missense variant that results in the substitution of serine with leucine. This variant is absent from population databases. Computational prediction algorithms are consistent with a benign effect. The currently available literature and clinical evidence are not sufficient to establish a definitive association between this variant and the reported condition. Therefore, this variant is classified as a variant of uncertain significance.

NM_001257293.2(HNRNPH1):c.806C>T (p.Ser269Leu)

Genes: HNRNPH1 (heterogeneous nuclear ribonucleoprotein H1; minus strand), LOC128966623 (uncharacterized LOC128966623; plus strand). Cytogenetic location: 5q35.3.
Variant type: single nucleotide variant.
Coding change: c.806C>T on transcript NM_001257293.2 (MANE Select); coding-DNA position 806, C replaced by T.
Protein change: p.Ser269Leu; replaces serine 269 with leucine.
Molecular consequence: missense variant. On other transcripts: intron variant (10).
Genome position (GRCh38, 1-based): chr5:179,617,914, G>A on the plus strand (C>T on the coding strand, the complement: HNRNPH1 is on the minus strand). VCF-style: chr5-179617914-G-A. GRCh37 (hg19) VCF-style: chr5-179044915-G-A.
Other names: c.203C>T, p.Ser68Leu (NM_001364255.2, NM_001364251.2, NM_001364252.2 and 4 more transcripts); c.806C>T, p.Ser269Leu (NM_001395176.1, NM_001395177.1, NM_001395178.1 and 27 more transcripts); c.650C>T, p.Ser217Leu (NM_001364250.2); c.575C>T, p.Ser192Leu (NM_001395190.1); c.488C>T, p.Ser163Leu (NM_001395191.1, NM_001395192.1); c.398-3C>T (NM_001395193.1); c.788-3C>T (NM_001364241.2, NM_001395188.1, NM_001395180.1 and 6 more transcripts); short protein forms S163L, S192L, S217L, S269L, S68L.
Identifiers: ClinVar variation 4881127 (VCV004881127.2).
Genomic context (GRCh38, chr5:179,617,914, plus strand): 5'-TGTCCTGTTGTGCTCTGGAAAGTAGAGCCACCATCCCCGTATCTGTGATCAGACATTCCT[G>A]AAAAACAGTAATTGAGGTCTAGATGGACAAGAGTGTAAGCATCCTTCAACTGAGAAATTC-3'
Protein context (NP_001244222.1, residues 259-279): RFGRDLNYCF[Ser269Leu]GMSDHRYGDG